The following is an entry in ClinVar:

NM_000059.4(BRCA2):c.6728C>A (p.Ser2243Tyr)

Gene: BRCA2 (BRCA2 DNA repair associated; plus strand). Cytogenetic location: 13q13.1.
Variant type: single nucleotide variant.
Coding change: c.6728C>A on transcript NM_000059.4 (MANE Select); coding-DNA position 6728, C replaced by A.
Protein change: p.Ser2243Tyr; replaces serine 2243 with tyrosine.
Molecular consequence: missense variant.
Genome position (GRCh38, 1-based): chr13:32,341,083, C>A. VCF-style: chr13-32341083-C-A. GRCh37 (hg19) VCF-style: chr13-32915220-C-A.
Other names: c.6728C>A, p.Ser2243Tyr (NM_001406719.1, NM_001406720.1); short protein forms S2243Y.
Identifiers: ClinVar variation 1755108 (VCV001755108.4), dbSNP rs876659031, ClinGen allele CA387791064.

ClinVar aggregate classification (germline): Conflicting classifications of pathogenicity. Review status: criteria provided, conflicting classifications (1 of 4 stars). 2 submissions from 2 submitters: Uncertain significance (1); Likely benign (1). Last evaluated 2023-03-23.

Conditions:
Hereditary cancer-predisposing syndrome. Also called: Neoplastic Syndromes, Hereditary; Tumor predisposition; Hereditary Cancer Syndrome; Hereditary neoplastic syndrome. Identifiers: Orphanet 140162, MedGen C0027672, MeSH D009386, MONDO:0015356.

Submissions (2):

University of Washington Department of Laboratory Medicine, University of Washington
Classification: Likely benign for Hereditary cancer-predisposing syndrome. Last evaluated: 2023-03-23. Review status: criteria provided, single submitter. Criteria: Dines et al. (Genet Med. 2020). Collection method: curation. Allele origin: germline.
Comment: Missense variant in a coldspot region where missense variants are very unlikely to be pathogenic (PMID:31911673).

BRCA2 exon 11 coldspot. Reclassification based on statistical prior probability.

Ambry Genetics
Classification: Uncertain significance for Hereditary cancer-predisposing syndrome. Last evaluated: 2021-12-11. Review status: criteria provided, single submitter. Criteria: Ambry Variant Classification Scheme 2023. Collection method: clinical testing. Allele origin: germline.
Comment: The p.S2243Y variant (also known as c.6728C>A), located in coding exon 10 of the BRCA2 gene, results from a C to A substitution at nucleotide position 6728. The serine at codon 2243 is replaced by tyrosine, an amino acid with dissimilar properties. This amino acid position is conserved. In addition, the in silico prediction for this alteration is inconclusive. Since supporting evidence is limited at this time, the clinical significance of this alteration remains unclear.